The following is an entry in ClinVar:

ClinVar aggregate classification (germline): Likely pathogenic (1 of 4 stars; one submission).

Submission:

Quest Diagnostics Nichols Institute San Juan Capistrano
Classification: Likely pathogenic. Last evaluated: 2025-06-06. Review status: criteria provided, single submitter. Criteria: ACMG/ClinGen CNV Guidelines, 2019. Collection method: clinical testing. Allele origin: unknown.
Comment: This deletion involves exons 1-5 (NM_005215.4) of DCC (OMIM 120470). Haploinsufficiency of DCC has been reported in association with autosomal dominant mirror movements 1 and/or agenesis of the corpus callosum (ACC) (CCID:004625; OMIM 157600; Meneret 2020). Variable expressivity and incomplete penetrance of this disorder has been observed (Bierhals 2018, Marsh 2017, Marsh 2018, Sagi-Dain 2020, Spencer-Smith 2020, Vosberg 2019). Even though there are partially overlapping copy number losses of this region in the general populations of the Database of Genomic Variants, reduced penetrance precludes drawing conclusions from variants of this region present in control populations. Thus, based on current medical literature and gene content, this copy number variant (CNV) is classified as likely pathogenic with reduced penetrance and variable expressivity. References: Bierhals et al., Eur J Med Genet. 2018 Jun;61(6):329-334. PMID: 29366874 Collins Hutchinson et al., Mov Disord. 2024 Feb;39(2):400-410. PMID: 38314870 Marsh et al., Nat Genet. 2017 Apr;49(4):511-514. PMID: 28250454 Marsh et al., Hum Mutat. 2018 Jan;39(1):23-39. PMID: 29068161 Meneret et al., GeneReviews [2020 Sep 24]. PMID: 25763452 Sagi-Dain et al., Am J Med Genet A. 2020 Jan;182(1):205-212. PMID: 31697046 Spencer-Smith et al., Dev Med Child Neurol. 2020 Jun;62(6):758-762. PMID: 32060908 Vosberg et al., Ann Neurol. 2019 Mar;85(3):433-442. PMID: 30666715

GRCh37/hg19 18q21.2(chr18:49864817-50500016)x1

Gene: DCC (DCC netrin 1 receptor; plus strand). Cytogenetic location: 18q21.2.
Variant type: copy number loss.
Change: copy number 1 (one copy instead of two) of chr18:49,864,817-50,500,016 (635.2 kb, GRCh37 coordinates, 1-based), cytogenetic band 18q21.2.
Identifiers: ClinVar variation 4682932 (VCV004682932.1).